The following is an entry in ClinVar:

ClinVar aggregate classification (germline): Uncertain significance. Review status: criteria provided, multiple submitters, no conflicts (2 of 4 stars). 2 submissions from 2 submitters: Uncertain significance (2). Last evaluated 2025-04-18.

Conditions:
Hereditary breast ovarian cancer syndrome. Also called: Hereditary breast and ovarian cancer syndrome; Hereditary breast and ovarian cancer; Hereditary breast and ovarian cancer syndrome (HBOC); Breast and ovarian cancer; Hereditary breast and/or ovarian cancer syndrome; BRCA1- and BRCA2-Associated Hereditary Breast and Ovarian Cancer. Identifiers: Orphanet 145, MedGen C0677776, MeSH D061325, MONDO:0003582. Disease mechanism: loss of function.
Hereditary cancer-predisposing syndrome. Also called: Tumor predisposition; Hereditary neoplastic syndrome; Neoplastic Syndromes, Hereditary; Hereditary Cancer Syndrome. Identifiers: Orphanet 140162, MedGen C0027672, MeSH D009386, MONDO:0015356.

Submissions (2):

Labcorp Genetics (formerly Invitae), Labcorp
Classification: Uncertain significance for Hereditary breast ovarian cancer syndrome. Last evaluated: 2025-04-18. Review status: criteria provided, single submitter. Criteria: Invitae Variant Classification Sherloc (09022015). Collection method: clinical testing. Allele origin: germline.
Comment: This sequence change replaces serine, which is neutral and polar, with glycine, which is neutral and non-polar, at codon 1179 of the BRCA2 protein (p.Ser1179Gly). This variant is not present in population databases (gnomAD no frequency). This variant has not been reported in the literature in individuals affected with BRCA2-related conditions. Invitae Evidence Modeling of protein sequence and biophysical properties (such as structural, functional, and spatial information, amino acid conservation, physicochemical variation, residue mobility, and thermodynamic stability) indicates that this missense variant is not expected to disrupt BRCA2 protein function with a negative predictive value of 95%. In summary, the available evidence is currently insufficient to determine the role of this variant in disease. Therefore, it has been classified as a Variant of Uncertain Significance.

Ambry Genetics
Classification: Uncertain significance for Hereditary cancer-predisposing syndrome. Last evaluated: 2025-03-28. Review status: criteria provided, single submitter. Criteria: Ambry Variant Classification Scheme 2023. Collection method: clinical testing. Allele origin: germline.
Comment: The p.S1179G variant (also known as c.3535A>G), located in coding exon 10 of the BRCA2 gene, results from an A to G substitution at nucleotide position 3535. The serine at codon 1179 is replaced by glycine, an amino acid with similar properties. This amino acid position is conserved. In addition, this alteration is predicted to be tolerated by in silico analysis. Based on the available evidence, the clinical significance of this variant remains unclear.

NM_000059.4(BRCA2):c.3535A>G (p.Ser1179Gly)

Gene: BRCA2 (BRCA2 DNA repair associated; plus strand). Cytogenetic location: 13q13.1.
Variant type: single nucleotide variant.
Coding change: c.3535A>G on transcript NM_000059.4 (MANE Select); coding-DNA position 3535, A replaced by G.
Protein change: p.Ser1179Gly; replaces serine 1179 with glycine.
Molecular consequence: missense variant. On other transcripts: non-coding transcript variant (1), intron variant (2).
Genome position (GRCh38, 1-based): chr13:32,337,890, A>G. VCF-style: chr13-32337890-A-G. GRCh37 (hg19) VCF-style: chr13-32912027-A-G.
Other names: c.3535A>G, p.Ser1179Gly (NM_001432077.1, NM_001406719.1, NM_001406720.1); c.1909+4503A>G (NM_001406721.1); c.425-6668A>G (NM_001406722.1); short protein forms S1179G.
Identifiers: ClinVar variation 3992779 (VCV003992779.2).
Genomic context (GRCh38, chr13:32,337,890, plus strand): 5'-TGCAGAGATGCTGATCTTCATGTCATAATGAATGCCCCATCGATTGGTCAGGTAGACAGC[A>G]GCAAGCAATTTGAAGGTACAGTTGAAATTAAACGGAAGTTTGCTGGCCTGTTGAAAAATG-3'
Protein context (NP_000050.3, residues 1169-1189): NAPSIGQVDS[Ser1179Gly]KQFEGTVEIK